The following is an entry in ClinVar:

ClinVar aggregate classification (germline): Uncertain significance (1 of 4 stars; one submission).

gnomAD v4.1: 4 of 1,612,994 alleles (0.00025%); highest among the groups gnomAD compares: Non-Finnish European, 0.00034%; no homozygotes.

Submission:

Labcorp Genetics (formerly Invitae), Labcorp
Classification: Uncertain significance. Last evaluated: 2025-02-07. Review status: criteria provided, single submitter. Criteria: Invitae Variant Classification Sherloc (09022015). Collection method: clinical testing. Allele origin: germline.
Comment: This sequence change falls in intron 6 of the DLST gene. It does not directly change the encoded amino acid sequence of the DLST protein. It affects a nucleotide within the consensus splice site. This variant is not present in population databases (gnomAD no frequency). This variant has not been reported in the literature in individuals affected with DLST-related conditions. Variants that disrupt the consensus splice site are a relatively common cause of aberrant splicing (PMID: 17576681, 9536098). Algorithms developed to predict the effect of sequence changes on RNA splicing suggest that this variant may disrupt the consensus splice site. In summary, the available evidence is currently insufficient to determine the role of this variant in disease. Therefore, it has been classified as a Variant of Uncertain Significance.

Literature cited by the submitters: PubMed 17576681; PubMed 9536098.

NM_001933.5(DLST):c.330+5G>A

Gene: DLST (dihydrolipoamide S-succinyltransferase; plus strand). Cytogenetic location: 14q24.3.
Variant type: single nucleotide variant.
Coding change: c.330+5G>A on transcript NM_001933.5 (MANE Select); 5 bases into the intron after coding-DNA position 330, G replaced by A.
Molecular consequence: intron variant.
Genome position (GRCh38, 1-based): chr14:74,889,957, G>A. VCF-style: chr14-74889957-G-A. GRCh37 (hg19) VCF-style: chr14-75356660-G-A.
Other names: c.330+5G>A (NM_001244883.2).
Identifiers: ClinVar variation 4798287 (VCV004798287.1).